The following is an entry in ClinVar:

ClinVar aggregate classification (germline): Likely benign (0 of 4 stars; one submission).

Conditions:
HOXA2-related disorder. Also called: HOXA2-related condition.

Allele frequency attached by ClinVar (database versions not stated): ExAC 0.00017; gnomAD 0.00048; ESP Exome Variant Server 0.00054; TOPMed 0.00066; 1000 Genomes Project 0.00080; 1000 Genomes Project 30x 0.00109.
gnomAD v4.1: 153 of 1,614,212 alleles (0.0095%); highest among the groups gnomAD compares: African/African-American, 0.18%; no homozygotes.

Submission:

PreventionGenetics, part of Exact Sciences
Classification: Likely benign for HOXA2-related condition. Last evaluated: 2019-12-26. Review status: no assertion criteria provided. Collection method: clinical testing. Allele origin: germline.
Comment: This variant is classified as likely benign based on ACMG/AMP sequence variant interpretation guidelines (Richards et al. 2015 PMID: 25741868, with internal and published modifications).

NM_006735.4(HOXA2):c.954G>A (p.Glu318=)

Gene: HOXA2 (homeobox A2; minus strand). Cytogenetic location: 7p15.2.
Variant type: single nucleotide variant.
Coding change: c.954G>A on transcript NM_006735.4 (MANE Select); coding-DNA position 954, G replaced by A.
Protein change: p.Glu318=; no amino-acid change (glutamic acid 318 retained).
Molecular consequence: synonymous variant.
Genome position (GRCh38, 1-based): chr7:27,100,903, C>T on the plus strand (G>A on the coding strand, the complement: HOXA2 is on the minus strand). VCF-style: chr7-27100903-C-T. GRCh37 (hg19) VCF-style: chr7-27140522-C-T.
Identifiers: ClinVar variation 3035843 (VCV003035843.2), dbSNP rs138659027, ClinGen allele CA4196105.